The following is an entry in ClinVar:

ClinVar aggregate classification (germline): Likely benign (1 of 4 stars; one submission).

Submission:

CeGaT Center for Human Genetics Tuebingen
Classification: Likely benign. Last evaluated: 2026-08-01. Review status: criteria provided, single submitter. Criteria: CeGaT Center For Human Genetics Tuebingen Variant Classification Criteria Version 2. Collection method: clinical testing. Allele origin: germline. Affected: yes. Observed: 2 variant alleles.
Comment: ZNF208: BP4, BP7

NM_007153.3(ZNF208):c.3366T>C (p.Phe1122=)

Gene: ZNF208 (zinc finger protein 208; minus strand). Cytogenetic location: 19p12.
Variant type: single nucleotide variant.
Coding change: c.3366T>C on transcript NM_007153.3 (MANE Select); coding-DNA position 3366, T replaced by C.
Protein change: p.Phe1122=; no amino-acid change (phenylalanine 1122 retained).
Molecular consequence: synonymous variant. On other transcripts: intron variant (4).
Genome position (GRCh38, 1-based): chr19:21,971,668, A>G on the plus strand (T>C on the coding strand, the complement: ZNF208 is on the minus strand). VCF-style: chr19-21971668-A-G. GRCh37 (hg19) VCF-style: chr19-22154470-A-G.
Other names: c.226+15548T>C (NM_001329974.2); c.305+3061T>C (NM_001329971.2, NM_001329973.1); c.227-10884T>C (NM_001329972.1).
Identifiers: ClinVar variation 4084165 (VCV004084165.8).
Genomic context (GRCh38, chr19:21,971,668, plus strand): 5'-TTTGTAGGGTTTCTCTCCAGTATGAATTACCTTATGTTTAGTAAGGATTGAGAACGTACT[A>G]AAGCTTTTGCCACATTCTTCACATTTGTAGGGTTTCTCTCCAGTATGAATTCTCTTATGT-3'
Protein context (NP_009084.2, residues 1112-1132): PYKCEECGKS[Phe1122=]STFSILTKHK